The following is an entry in ClinVar:

NM_001385682.1(MAP4):c.1321G>C (p.Glu441Gln)

Gene: MAP4 (microtubule associated protein 4; minus strand). Cytogenetic location: 3p21.31.
Variant type: single nucleotide variant.
Coding change: c.1321G>C on transcript NM_001385682.1 (MANE Select); coding-DNA position 1321, G replaced by C.
Protein change: p.Glu441Gln; replaces glutamic acid 441 with glutamine.
Molecular consequence: missense variant. On other transcripts: intron variant (10).
Genome position (GRCh38, 1-based): chr3:47,916,506, C>G on the plus strand (G>C on the coding strand, the complement: MAP4 is on the minus strand). VCF-style: chr3-47916506-C-G. GRCh37 (hg19) VCF-style: chr3-47957996-C-G.
Other names: c.1321G>C, p.Glu441Gln (NM_001384677.1, NM_001384679.1, NM_001384729.1 and 41 more transcripts); c.1357G>C, p.Glu453Gln (NM_001384678.1, NM_001385675.1, NM_001384738.1 and 4 more transcripts); c.1015G>C, p.Glu339Gln (NM_001384680.1); c.1198G>C, p.Glu400Gln (NM_001384681.1, NM_001384707.1, NM_001384755.1 and 14 more transcripts); c.1252G>C, p.Glu418Gln (NM_001384730.1, NM_001384783.1, NM_001384786.1 and 10 more transcripts); c.1372G>C, p.Glu458Gln (NM_001384731.1, NM_001384788.1, NM_001384790.1 and 9 more transcripts); c.1129G>C, p.Glu377Gln (NM_001384753.1, NM_001384757.1, NM_001384864.1 and 2 more transcripts); c.1207G>C, p.Glu403Gln (NM_001384758.1, NM_001384841.1, NM_001384776.1 and 4 more transcripts); and 15 more; short protein forms E230Q, E293Q, E334Q, E339Q, E362Q, E377Q, E400Q, E403Q.
Identifiers: ClinVar variation 3055750 (VCV003055750.2), dbSNP rs2230169, ClinGen allele CA2371476.

ClinVar aggregate classification (germline): Benign (0 of 4 stars; one submission).

Conditions:
MAP4-related disorder. Also called: MAP4-related condition.

Allele frequency attached by ClinVar (database versions not stated): gnomAD exomes 0.06407; 1000 Genomes Project 0.02676; gnomAD 0.04376; ESP Exome Variant Server 0.05298; 1000 Genomes Project 30x 0.02889; TOPMed 0.04123; ExAC 0.05098.
gnomAD v4.1: 99,813 of 1,614,208 alleles (6.2%); highest among the groups gnomAD compares: Non-Finnish European, 7.2%; 3,486 homozygotes.

Submission:

PreventionGenetics, part of Exact Sciences
Classification: Benign for MAP4-related condition. Last evaluated: 2019-12-04. Review status: no assertion criteria provided. Collection method: clinical testing. Allele origin: germline.
Comment: This variant is classified as benign based on ACMG/AMP sequence variant interpretation guidelines (Richards et al. 2015 PMID: 25741868, with internal and published modifications).